The following is an entry in ClinVar:

ClinVar aggregate classification (germline): Uncertain significance (1 of 4 stars; one submission).

Submission:

Labcorp Genetics (formerly Invitae), Labcorp
Classification: Uncertain significance. Last evaluated: 2022-02-04. Review status: criteria provided, single submitter. Criteria: Invitae Variant Classification Sherloc (09022015). Collection method: clinical testing. Allele origin: germline.
Comment: In summary, the available evidence is currently insufficient to determine the role of this variant in disease. Therefore, it has been classified as a Variant of Uncertain Significance. Algorithms developed to predict the effect of missense changes on protein structure and function are either unavailable or do not agree on the potential impact of this missense change (SIFT: "Deleterious"; PolyPhen-2: "Probably Damaging"; Align-GVGD: "Class C0"). This variant has not been reported in the literature in individuals affected with NSD1-related conditions. This variant is not present in population databases (gnomAD no frequency). This sequence change replaces proline, which is neutral and non-polar, with alanine, which is neutral and non-polar, at codon 360 of the NSD1 protein (p.Pro360Ala).

NM_022455.5(NSD1):c.1078C>G (p.Pro360Ala)

Gene: NSD1 (nuclear receptor binding SET domain protein 1; plus strand). Cytogenetic location: 5q35.3.
Variant type: single nucleotide variant.
Coding change: c.1078C>G on transcript NM_022455.5 (MANE Select); coding-DNA position 1078, C replaced by G.
Protein change: p.Pro360Ala; replaces proline 360 with alanine.
Molecular consequence: missense variant.
Genome position (GRCh38, 1-based): chr5:177,204,134, C>G. VCF-style: chr5-177204134-C-G. GRCh37 (hg19) VCF-style: chr5-176631135-C-G.
Other names: c.205C>G, p.Pro69Ala (NM_001409306.1, NM_001409307.1, NM_001409308.1 and 3 more transcripts); c.1078C>G, p.Pro360Ala (NM_001409301.1, NM_001409302.1, NM_001409303.1); c.658C>G, p.Pro220Ala (NM_001409304.1); c.325C>G, p.Pro109Ala (NM_001409305.1); short protein forms P109A, P360A, P91A, P220A, P69A.
Identifiers: ClinVar variation 2062543 (VCV002062543.4), dbSNP rs2149836107, ClinGen allele CA362304479.
Genomic context (GRCh38, chr5:177,204,134, plus strand): 5'-GTAATTTCTTTGATCTAATGATTCTGGTTCTCTTACCCTTACCTAGTTTCCAACCGGAGG[C>G]CCTATCGGCAGTACTACGTGGAGGCTTTTGGAGATCCTTCTGAGAGAGCCTGGGTGGCTG-3'
Protein context (NP_071900.2, residues 350-370): HSKMKVSNRR[Pro360Ala]YRQYYVEAFG